The following is an entry in ClinVar:

NM_001082538.3(TCTN1):c.341+10C>T

Gene: TCTN1 (tectonic family member 1; plus strand). Cytogenetic location: 12q24.11.
Variant type: single nucleotide variant.
Coding change: c.341+10C>T on transcript NM_001082538.3 (MANE Select); 10 bases into the intron after coding-DNA position 341, C replaced by T.
Molecular consequence: intron variant.
Genome position (GRCh38, 1-based): chr12:110,619,966, C>T. VCF-style: chr12-110619966-C-T. GRCh37 (hg19) VCF-style: chr12-111057771-C-T.
Other names: c.173+10C>T (NM_001173975.3, NM_001319682.3); c.161+10C>T (NM_001173976.2); c.-367+10C>T (NM_001319681.2); c.341+10C>T (NM_024549.6, NM_001082537.3, NM_001319680.2 and 1 more transcripts).
Identifiers: ClinVar variation 1623318 (VCV001623318.10), dbSNP rs201488724, ClinGen allele CA6786528.

ClinVar aggregate classification (germline): Likely benign. Review status: criteria provided, single submitter (1 of 4 stars). 2 submissions from 2 submitters: Likely benign (1). 1 of the submissions does not count toward it. Last evaluated 2025-10-14.

Conditions:
TCTN1-related disorder. Also called: TCTN1-related condition.
Joubert syndrome. Also called: CEREBELLOPARENCHYMAL DISORDER IV; JOUBERT-BOLTSHAUSER SYNDROME; Familial aplasia of the vermis. Identifiers: Orphanet 475, MedGen C5979921, MONDO:0018772.
Meckel-Gruber syndrome. Also called: DYSENCEPHALIA SPLANCHNOCYSTICA; GRUBER SYNDROME; Dysencephalia splachnocystica. Identifiers: Orphanet 564, MedGen C0265215, MONDO:0018921.

Allele frequency attached by ClinVar (database versions not stated): TOPMed 0.00004; ExAC 0.00007.
gnomAD v4.1: 82 of 1,614,072 alleles (0.0051%); highest among the groups gnomAD compares: South Asian, 0.03%; 1 homozygote.

Submissions (2):

Labcorp Genetics (formerly Invitae), Labcorp
Classification: Likely benign for Joubert syndrome; Meckel-Gruber syndrome. Last evaluated: 2025-10-14. Review status: criteria provided, single submitter. Criteria: Invitae Variant Classification Sherloc (09022015). Collection method: clinical testing. Allele origin: germline.

PreventionGenetics, part of Exact Sciences
Classification: Likely benign for TCTN1-related condition. Last evaluated: 2019-03-26. Review status: no assertion criteria provided. Collection method: clinical testing. Allele origin: germline. Not counted in ClinVar's aggregate classification.
Comment: This variant is classified as likely benign based on ACMG/AMP sequence variant interpretation guidelines (Richards et al. 2015 PMID: 25741868, with internal and published modifications).